The following is an entry in ClinVar:

ClinVar aggregate classification (germline): Uncertain significance. Review status: criteria provided, multiple submitters, no conflicts (2 of 4 stars). 2 submissions from 2 submitters: Uncertain significance (2). Last evaluated 2024-11-14.

Conditions:
Inborn genetic diseases. Identifiers: MedGen C0950123, MeSH D030342.

gnomAD v4.1: 59 of 1,613,098 alleles (0.0037%); highest among the groups gnomAD compares: Non-Finnish European, 0.0046%; no homozygotes.

Submissions (2):

Ambry Genetics
Classification: Uncertain significance for Inborn genetic diseases. Last evaluated: 2024-11-14. Review status: criteria provided, single submitter. Criteria: Ambry Variant Classification Scheme 2023. Collection method: clinical testing. Allele origin: germline.

Labcorp Genetics (formerly Invitae), Labcorp
Classification: Uncertain significance. Last evaluated: 2024-06-28. Review status: criteria provided, single submitter. Criteria: Invitae Variant Classification Sherloc (09022015). Collection method: clinical testing. Allele origin: germline.
Comment: This sequence change replaces isoleucine, which is neutral and non-polar, with threonine, which is neutral and polar, at codon 176 of the CNOT1 protein (p.Ile176Thr). This variant is present in population databases (rs765937674, gnomAD 0.006%). This variant has not been reported in the literature in individuals affected with CNOT1-related conditions. An algorithm developed to predict the effect of missense changes on protein structure and function (PolyPhen-2) suggests that this variant is likely to be tolerated. In summary, the available evidence is currently insufficient to determine the role of this variant in disease. Therefore, it has been classified as a Variant of Uncertain Significance.

NM_016284.5(CNOT1):c.527T>C (p.Ile176Thr)

Gene: CNOT1 (CCR4-NOT transcription complex subunit 1; minus strand). Cytogenetic location: 16q21.
Variant type: single nucleotide variant.
Coding change: c.527T>C on transcript NM_016284.5 (MANE Select); coding-DNA position 527, T replaced by C.
Protein change: p.Ile176Thr; replaces isoleucine 176 with threonine.
Molecular consequence: missense variant. On other transcripts: non-coding transcript variant (1).
Genome position (GRCh38, 1-based): chr16:58,586,655, A>G on the plus strand (T>C on the coding strand, the complement: CNOT1 is on the minus strand). VCF-style: chr16-58586655-A-G. GRCh37 (hg19) VCF-style: chr16-58620559-A-G.
Other names: c.527T>C, p.Ile176Thr (NM_001265612.2, NM_206999.3); short protein forms I176T.
Identifiers: ClinVar variation 3494444 (VCV003494444.3).